The following is an entry in ClinVar:

ClinVar aggregate classification (germline): Uncertain significance (1 of 4 stars; one submission).

Submission:

GeneDx
Classification: Uncertain significance. Last evaluated: 2023-11-16. Review status: criteria provided, single submitter. Criteria: GeneDx Variant Classification Process June 2021. Collection method: clinical testing. Allele origin: germline. Affected: yes.
Comment: In silico analysis supports that this missense variant has a deleterious effect on protein structure/function; Not observed at significant frequency in large population cohorts (gnomAD); Has not been previously published as pathogenic or benign to our knowledge

NM_001170535.3(ATAD3A):c.1338G>C (p.Lys446Asn)

Gene: ATAD3A (ATPase family AAA domain containing 3A; plus strand). Cytogenetic location: 1p36.33.
Variant type: single nucleotide variant.
Coding change: c.1338G>C on transcript NM_001170535.3 (MANE Select); coding-DNA position 1338, G replaced by C.
Protein change: p.Lys446Asn; replaces lysine 446 with asparagine.
Molecular consequence: missense variant.
Genome position (GRCh38, 1-based): chr1:1,527,695, G>C. VCF-style: chr1-1527695-G-C. GRCh37 (hg19) VCF-style: chr1-1463075-G-C.
Other names: c.1101G>C, p.Lys367Asn (NM_001170536.3); c.1482G>C, p.Lys494Asn (NM_018188.5); short protein forms K367N, K446N, K494N.
Identifiers: ClinVar variation 3364447 (VCV003364447.1).